The following is an entry in ClinVar:

ClinVar aggregate classification (germline): Uncertain significance. Review status: criteria provided, multiple submitters, no conflicts (2 of 4 stars). 2 submissions from 2 submitters: Uncertain significance (2). Last evaluated 2025-08-25.

Conditions:
RNU4ATAC spectrum disorder. Also called: RNU4atac-opathy. Identifiers: MedGen CN377746, MONDO:0100558.

Submissions (2):

Broad Center for Mendelian Genomics, Broad Institute of MIT and Harvard
Classification: Uncertain significance for RNU4ATAC spectrum disorder. Last evaluated: 2025-08-25. Review status: criteria provided, single submitter. Criteria: Ellingford et al. (Genome Med. 2022). Collection method: curation. Allele origin: germline. Inheritance: Autosomal recessive inheritance.
Comment: The phase of these variants is unknown at this time. The n.13_15del variant in RNU4ATAC has not been previously reported in the literature in individuals with RNU4ATAC spectrum disorder, but has been identified in 0.001% (5/379420) of European (non-Finnish) chromosomes by the Genome Aggregation Database (gnomAD; dbSNP rs1559533185). Although this variant has been seen in the general population in a heterozygous state, its frequency is low enough to be consistent with a recessive carrier frequency. This variant has also been reported in ClinVar (VCV001472329.4) and has been interpreted as a variant of uncertain significance by Labcorp Genetics. The n.13_15del variant is located in the Stem II Loop region of RNU4ATAC where several other variants have been identified, suggesting that this variant is in a functional domain and supports pathogenicity (PMID: 26522830, 32628740). In summary, while there is some suspicion for a pathogenic role, the clinical significance of this variant is uncertain. ACMG/AMP Criteria applied: PM1, PM2_supporting, PM3_supporting (Richards 2015).

Labcorp Genetics (formerly Invitae), Labcorp
Classification: Uncertain significance. Last evaluated: 2021-11-03. Review status: criteria provided, single submitter. Criteria: Invitae Variant Classification Sherloc (09022015). Collection method: clinical testing. Allele origin: germline.
Comment: This variant occurs in the RNU4ATAC gene, which encodes an RNA molecule that does not result in a protein product. This variant is present in population databases (no rsID available, gnomAD 0.006%). This variant has not been reported in the literature in individuals affected with RNU4ATAC-related conditions. Experimental studies and prediction algorithms are not available or were not evaluated, and the functional significance of this variant is currently unknown. In summary, the available evidence is currently insufficient to determine the role of this variant in disease. Therefore, it has been classified as a Variant of Uncertain Significance.

NR_023343.3(RNU4ATAC):n.13_15delCTT

Genes: CLASP1 (cytoplasmic linker associated protein 1; minus strand), CLASP1-AS1 (CLASP1 antisense RNA 1; plus strand), RNU4ATAC (RNA, U4atac small nuclear; plus strand). Cytogenetic location: 2q14.2.
Variant type: Deletion.
Molecular consequence: intron variant (on NM_001395891.1).
Genome position: GRCh38 VCF-style: chr2-121530889-TTTC-T. GRCh37 (hg19) VCF-style: chr2-122288465-TTTC-T.
Other names: c.196-567_196-565del (NM_001142274.2, NM_015282.3, NM_001378003.1 and 5 more transcripts).
Identifiers: ClinVar variation 1472329 (VCV001472329.5), dbSNP rs1559533185, ClinGen allele CA536071217.